The following is an entry in ClinVar:

NC_000008.10:g.(?_118816941)_(118817152_?)del

Gene: EXT1 (exostosin glycosyltransferase 1; minus strand). Cytogenetic location: 8q24.11.
Variant type: Deletion.
Identifiers: ClinVar variation 1460086 (VCV001460086.6).

ClinVar aggregate classification (germline): Pathogenic (1 of 4 stars; one submission).

Conditions:
Multiple congenital exostosis (EXT). Also called: Multiple osteochondromas; Hereditary multiple osteochondromas; Multiple exostoses; MULTIPLE CARTILAGINOUS EXOSTOSES; Hereditary multiple exostoses; Hereditary multiple exostosis. Identifiers: Orphanet 321, MedGen C0015306, MONDO:0005508, HP:0002762.

Submission:

Labcorp Genetics (formerly Invitae), Labcorp
Classification: Pathogenic for Multiple congenital exostosis. Last evaluated: 2021-04-02. Review status: criteria provided, single submitter. Criteria: Invitae Variant Classification Sherloc (09022015). Collection method: clinical testing. Allele origin: germline.
Comment: For these reasons, this variant has been classified as Pathogenic. This variant disrupts the C-terminus of the EXT1 protein. Other variant(s) that disrupt this region (p.Trp711*) have been determined to be pathogenic (PMID: 29620724, Invitae). This suggests that variants that disrupt this region of the protein are likely to be causative of disease. This variant has not been reported in the literature in individuals with EXT1-related conditions. This variant is a gross deletion of the genomic region encompassing exon(s) 10 of the EXT1 gene. While this deletion is not anticipated to lead to nonsense mediated decay, it is expected to disrupt the C-terminus of the protein.

Literature cited by the submitters: PubMed 29620724.